The following is an entry in ClinVar:

ClinVar aggregate classification (germline): Uncertain significance (1 of 4 stars; one submission).

Conditions:
BAP1-related tumor predisposition syndrome (TPDS1). Also called: COMMON Syndrome; TUMOR PREDISPOSITION SYNDROME 1; Tumor susceptibility linked to germline BAP1 mutations; BAP1 tumor predisposition syndrome. Identifiers: Orphanet 289539, MedGen C3280492, MONDO:0013692, OMIM 614327.

Submission:

Labcorp Genetics (formerly Invitae), Labcorp
Classification: Uncertain significance for BAP1-related tumor predisposition syndrome. Last evaluated: 2025-04-09. Review status: criteria provided, single submitter. Criteria: Invitae Variant Classification Sherloc (09022015). Collection method: clinical testing. Allele origin: germline.
Comment: This sequence change replaces alanine, which is neutral and non-polar, with serine, which is neutral and polar, at codon 317 of the BAP1 protein (p.Ala317Ser). This variant is not present in population databases (gnomAD no frequency). This variant has not been reported in the literature in individuals affected with BAP1-related conditions. Invitae Evidence Modeling of protein sequence and biophysical properties (such as structural, functional, and spatial information, amino acid conservation, physicochemical variation, residue mobility, and thermodynamic stability) indicates that this missense variant is not expected to disrupt BAP1 protein function with a negative predictive value of 80%. In summary, the available evidence is currently insufficient to determine the role of this variant in disease. Therefore, it has been classified as a Variant of Uncertain Significance.

NM_004656.4(BAP1):c.949G>T (p.Ala317Ser)

Gene: BAP1 (BRCA1 associated deubiquitinase 1; minus strand). Cytogenetic location: 3p21.1.
Variant type: single nucleotide variant.
Coding change: c.949G>T on transcript NM_004656.4 (MANE Select); coding-DNA position 949, G replaced by T.
Protein change: p.Ala317Ser; replaces alanine 317 with serine.
Molecular consequence: missense variant.
Genome position (GRCh38, 1-based): chr3:52,405,277, C>A on the plus strand (G>T on the coding strand, the complement: BAP1 is on the minus strand). VCF-style: chr3-52405277-C-A. GRCh37 (hg19) VCF-style: chr3-52439293-C-A.
Other names: c.895G>T, p.Ala299Ser (NM_001410772.1); short protein forms A299S, A317S.
Identifiers: ClinVar variation 4744568 (VCV004744568.1).